The following is an entry in ClinVar:

ClinVar aggregate classification (germline): Pathogenic. Review status: reviewed by expert panel (3 of 4 stars). 2 submissions from 2 submitters: Pathogenic (1). 1 of the submissions does not count toward it. Last evaluated 2022-12-14.

Conditions:
Very long chain acyl-CoA dehydrogenase deficiency (ACADVLD). Also called: Very Long-Chain Acyl-Coenzyme A Dehydrogenase Deficiency; VLCAD Deficiency. Identifiers: Orphanet 26793, MedGen C3887523, MONDO:0008723, OMIM 201475.

Submissions (2):

ClinGen ACADVL Variant Curation Expert Panel, ClinGen
Classification: Pathogenic for Very long chain acyl-CoA dehydrogenase deficiency. Last evaluated: 2022-12-14. Review status: reviewed by expert panel. Criteria: clingen acadvl acmg specifications v1. Collection method: curation. Allele origin: germline. Inheritance: Autosomal recessive inheritance.
Comment: The c.1752-3_1755del variant in ACADVL deletes the canonical splice acceptor site (- 1,2) of intron 18. It is predicted to cause skipping of biologically-relevant-exon 19/20, resulting in a frameshift leading to nonsense mediated decay in a gene in which loss-of-function is an established disease mechanism (PVS1; PMID 9973285, 11590124). At least one patient with this variant displayed increased acylcarnitines, which is highly specific for very long chain acyl-CoA dehydrogenase (VLCAD) deficiency. (PP4, PMID: 30626930). Additionally, at least two individuals with this variant were identified by newborn screen, but this information is insufficient to use toward classification (PMID: 26385305, 35281663). This variant is absent from gnomAD v2.1.1 (PM2_Supporting). In summary, this variant meets the criteria to be classified as pathogenic for autosomal recessive VLCAD deficiency based on the ACMG/AMP criteria applied, as specified by the ClinGen ACADVL Variant Curation Expert Panel: PVS1, PP4, PM2_Supporting (ACADVL VCEP specifications version 1; approved November 8, 2021).

Wong Mito Lab, Molecular and Human Genetics, Baylor College of Medicine
Classification: Pathogenic for Very long chain acyl-CoA dehydrogenase deficiency. Last evaluated: 2019-11-01. Review status: criteria provided, single submitter. Criteria: ACMG Guidelines, 2015. Collection method: clinical testing. Allele origin: germline. Not counted in ClinVar's aggregate classification.
Comment: The NM_000018.3:c.1752-3_1755del7 (NP_000009.1:p.?) [GRCH38: NC_000017.11:g.7224806_7224812del] variant in ACADVL gene is interpretated to be Pathogenic based on ACMG guidelines (PMID: 25741868). This variant has been reported. This variant meets the following evidence codes reported in the ACMG guidelines: PVS1, PS3

NM_000018.4(ACADVL):c.1752-3_1755del

Gene: ACADVL (acyl-CoA dehydrogenase very long chain; plus strand). Cytogenetic location: 17p13.1.
Variant type: Deletion.
Coding change: c.1752-3_1755del on transcript NM_000018.4 (MANE Select); 3 bases into the intron before coding-DNA position 1752 through coding-DNA position 1755, 7 bases deleted (CAGGGCC; older notation c.1752-3_1755delCAGGGCC).
Molecular consequence: splice acceptor variant.
Genome position (GRCh38, 1-based): chr17:7,224,806-7,224,812, CAGGGCC deleted; deleting any 7 consecutive bases within chr17:7,224,805-7,224,812 gives the same sequence; the c. name uses the placement nearest the transcript's 3' end. VCF-style (leftmost placement, unchanged base first): chr17-7224804-GCCAGGGC-G. GRCh37 (hg19) VCF-style: chr17-7128123-GCCAGGGC-G.
Other names: c.1821-3_1824del (NM_001270447.2); c.1524-3_1527del (NM_001270448.2); c.1686-3_1689del (NM_001033859.3).
Identifiers: ClinVar variation 932835 (VCV000932835.3), dbSNP rs2071401309, ClinGen allele CA1139665161.